The following is an entry in ClinVar:

ClinVar aggregate classification (germline): Uncertain significance. Review status: criteria provided, multiple submitters, no conflicts (2 of 4 stars). 2 submissions from 2 submitters: Uncertain significance (2). Last evaluated 2025-07-20.

Conditions:
Hereditary cancer-predisposing syndrome. Also called: Hereditary Cancer Syndrome; Tumor predisposition; Neoplastic Syndromes, Hereditary; Hereditary neoplastic syndrome. Identifiers: Orphanet 140162, MedGen C0027672, MeSH D009386, MONDO:0015356.
Haddad syndrome (OHD). Also called: Ondine-Hirschsprung disease. Identifiers: Orphanet 99803, MedGen C1859049, MONDO:0020493.

Submissions (2):

Ambry Genetics
Classification: Uncertain significance for Hereditary cancer-predisposing syndrome. Last evaluated: 2025-07-20. Review status: criteria provided, single submitter. Criteria: Ambry Variant Classification Scheme 2023. Collection method: clinical testing. Allele origin: germline.
Comment: The p.R149H variant (also known as c.446G>A), located in coding exon 3 of the PHOX2B gene, results from a G to A substitution at nucleotide position 446. The arginine at codon 149 is replaced by histidine, an amino acid with highly similar properties. This amino acid position is conserved. In addition, this alteration is predicted to be deleterious by in silico analysis. Based on the available evidence, the clinical significance of this variant remains unclear.

Labcorp Genetics (formerly Invitae), Labcorp
Classification: Uncertain significance for Haddad syndrome. Last evaluated: 2022-04-08. Review status: criteria provided, single submitter. Criteria: Invitae Variant Classification Sherloc (09022015). Collection method: clinical testing. Allele origin: germline.
Comment: Algorithms developed to predict the effect of missense changes on protein structure and function are either unavailable or do not agree on the potential impact of this missense change (SIFT: "Deleterious"; PolyPhen-2: "Not Available"; Align-GVGD: "Class C25"). In summary, the available evidence is currently insufficient to determine the role of this variant in disease. Therefore, it has been classified as a Variant of Uncertain Significance. This variant has not been reported in the literature in individuals affected with PHOX2B-related conditions. This variant is not present in population databases (gnomAD no frequency). This sequence change replaces arginine, which is basic and polar, with histidine, which is basic and polar, at codon 149 of the PHOX2B protein (p.Arg149His).

NM_003924.4(PHOX2B):c.446G>A (p.Arg149His)

Gene: PHOX2B (paired like homeobox 2B; minus strand). Cytogenetic location: 4p13.
Variant type: single nucleotide variant.
Coding change: c.446G>A on transcript NM_003924.4 (MANE Select); coding-DNA position 446, G replaced by A.
Protein change: p.Arg149His; replaces arginine 149 with histidine.
Molecular consequence: missense variant.
Genome position (GRCh38, 1-based): chr4:41,746,306, C>T on the plus strand (G>A on the coding strand, the complement: PHOX2B is on the minus strand). VCF-style: chr4-41746306-C-T. GRCh37 (hg19) VCF-style: chr4-41748323-C-T.
Other names: short protein forms R149H.
Identifiers: ClinVar variation 2123087 (VCV002123087.5), dbSNP rs1733899167, ClinGen allele CA356738814.
Genomic context (GRCh38, chr4:41,746,306, plus strand): 5'-TTCTTGGCCGCGGCCGCTGCGGCTGCCGCTGCGCGCTCCTGCTTGCGAAACTTGGCGCGG[C>T]GGTTCTGGAACCACACCTGGCCCAAGACGGAAGGAGAGACGGTGAAGCAGGGGGAGAAAG-3'
Protein context (NP_003915.2, residues 139-159): EARVQVWFQN[Arg149His]RAKFRKQERA